The following is an entry in ClinVar:

ClinVar aggregate classification (germline): Uncertain significance (1 of 4 stars; one submission).

Submission:

Labcorp Genetics (formerly Invitae), Labcorp
Classification: Uncertain significance. Last evaluated: 2024-10-08. Review status: criteria provided, single submitter. Criteria: Invitae Variant Classification Sherloc (09022015). Collection method: clinical testing. Allele origin: germline.
Comment: This sequence change replaces alanine, which is neutral and non-polar, with valine, which is neutral and non-polar, at codon 122 of the SF3B4 protein (p.Ala122Val). This variant is not present in population databases (gnomAD no frequency). This variant has not been reported in the literature in individuals affected with SF3B4-related conditions. ClinVar contains an entry for this variant (Variation ID: 2028374). An algorithm developed to predict the effect of missense changes on protein structure and function (PolyPhen-2) suggests that this variant is likely to be disruptive. In summary, the available evidence is currently insufficient to determine the role of this variant in disease. Therefore, it has been classified as a Variant of Uncertain Significance.

NM_005850.5(SF3B4):c.365C>T (p.Ala122Val)

Gene: SF3B4 (splicing factor 3b subunit 4; minus strand). Cytogenetic location: 1q21.2.
Variant type: single nucleotide variant.
Coding change: c.365C>T on transcript NM_005850.5 (MANE Select); coding-DNA position 365, C replaced by T.
Protein change: p.Ala122Val; replaces alanine 122 with valine.
Molecular consequence: missense variant.
Genome position (GRCh38, 1-based): chr1:149,926,717, G>A on the plus strand (C>T on the coding strand, the complement: SF3B4 is on the minus strand). VCF-style: chr1-149926717-G-A. GRCh37 (hg19) VCF-style: chr1-149898609-G-A.
Other names: short protein forms A122V.
Identifiers: ClinVar variation 2028374 (VCV002028374.4), dbSNP rs2525123451, ClinGen allele CA342277228.